The following is an entry in ClinVar:

NM_005506.4(SCARB2):c.65C>T (p.Thr22Met)

Gene: SCARB2 (scavenger receptor class B member 2; minus strand). Cytogenetic location: 4q21.1.
Variant type: single nucleotide variant.
Coding change: c.65C>T on transcript NM_005506.4 (MANE Select); coding-DNA position 65, C replaced by T.
Protein change: p.Thr22Met; replaces threonine 22 with methionine.
Molecular consequence: missense variant.
Genome position (GRCh38, 1-based): chr4:76,213,479, G>A on the plus strand (C>T on the coding strand, the complement: SCARB2 is on the minus strand). VCF-style: chr4-76213479-G-A. GRCh37 (hg19) VCF-style: chr4-77134632-G-A.
Other names: c.65C>T, p.Thr22Met (NM_001204255.2); short protein forms T22M.
Identifiers: ClinVar variation 1041387 (VCV001041387.11), dbSNP rs1733110733, ClinGen allele CA357327897.
Genomic context (GRCh38, chr4:76,213,479, plus strand): 5'-CGCCTCACCTTCTCGATACTCTGGTCTACAGCCTTCTGGAAGACCCGGGCCACCAGCAGC[G>A]TGACGCTGGTCACCAGCAGGAGCAGGGACAACGTCCCCGCCGTGTAGAAGCAGCATCGGC-3'
Protein context (NP_005497.1, residues 12-32): LSLLLLVTSV[Thr22Met]LLVARVFQKA

ClinVar aggregate classification (germline): Uncertain significance. Review status: criteria provided, multiple submitters, no conflicts (2 of 4 stars). 2 submissions from 2 submitters: Uncertain significance (2). Last evaluated 2024-02-12.

Conditions:
Action myoclonus-renal failure syndrome. Also called: MYOCLONUS-NEPHROPATHY SYNDROME; SCARB2-Related Action Myoclonus-Renal Failure Syndrome; EPILEPSY, PROGRESSIVE MYOCLONIC, 4, WITH RENAL FAILURE; EPILEPSY, PROGRESSIVE MYOCLONIC, 4, WITHOUT RENAL FAILURE. Identifiers: Orphanet 163696, MedGen C0751779, MeSH D020191, MONDO:0009699, OMIM 254900.
Progressive myoclonic epilepsy. Also called: Familial progressive myoclonic epilepsy; Myoclonus epilepsy; Progressive myoclonus epilepsy; Myoclonic Epilepsies, Progressive. Identifiers: Orphanet 308, Orphanet 98261, MedGen C0751778, MONDO:0020074.

Submissions (2):

Fulgent Genetics
Classification: Uncertain significance for Action myoclonus-renal failure syndrome. Last evaluated: 2024-02-12. Review status: criteria provided, single submitter. Criteria: ACMG Guidelines, 2015. Collection method: clinical testing. Allele origin: germline.

Labcorp Genetics (formerly Invitae), Labcorp
Classification: Uncertain significance for Progressive myoclonic epilepsy. Last evaluated: 2022-08-03. Review status: criteria provided, single submitter. Criteria: Invitae Variant Classification Sherloc (09022015). Collection method: clinical testing. Allele origin: germline.
Comment: This variant is not present in population databases (gnomAD no frequency). This sequence change replaces threonine, which is neutral and polar, with methionine, which is neutral and non-polar, at codon 22 of the SCARB2 protein (p.Thr22Met). This variant has not been reported in the literature in individuals affected with SCARB2-related conditions. In summary, the available evidence is currently insufficient to determine the role of this variant in disease. Therefore, it has been classified as a Variant of Uncertain Significance. Algorithms developed to predict the effect of missense changes on protein structure and function are either unavailable or do not agree on the potential impact of this missense change (SIFT: "Deleterious"; PolyPhen-2: "Possibly Damaging"; Align-GVGD: "Class C0"). ClinVar contains an entry for this variant (Variation ID: 1041387).